The following is an entry in ClinVar:

NM_001283009.2(RTEL1):c.2025+5G>A

Genes: RTEL1 (regulator of telomere elongation helicase 1; plus strand), RTEL1-TNFRSF6B (RTEL1-TNFRSF6B readthrough (NMD candidate); plus strand). Cytogenetic location: 20q13.33.
Variant type: single nucleotide variant.
Coding change: c.2025+5G>A on transcript NM_001283009.2 (MANE Select); 5 bases into the intron after coding-DNA position 2025, G replaced by A.
Molecular consequence: intron variant.
Genome position (GRCh38, 1-based): chr20:63,689,653, G>A. VCF-style: chr20-63689653-G-A. GRCh37 (hg19) VCF-style: chr20-62321006-G-A.
Other names: c.1356+5G>A (NM_001283010.1); c.2097+5G>A (NM_032957.5); c.2025+5G>A (NM_016434.4).
Identifiers: ClinVar variation 1364172 (VCV001364172.6), dbSNP rs762945317, ClinGen allele CA9965106.

ClinVar aggregate classification (germline): Uncertain significance (1 of 4 stars; one submission).

Conditions:
Pulmonary fibrosis and/or bone marrow failure, Telomere-related, 3. Also called: PULMONARY FIBROSIS AND/OR BONE MARROW FAILURE SYNDROME, TELOMERE-RELATED, 3. Identifiers: Orphanet 2032, MedGen C4225346, MONDO:0014613, OMIM 616373.
Dyskeratosis congenita, autosomal recessive 5 (DKCB5). Identifiers: MedGen C3554656, MONDO:0014076, OMIM 615190.

Allele frequency attached by ClinVar (database versions not stated): ExAC 0.00001.

Submission:

Labcorp Genetics (formerly Invitae), Labcorp
Classification: Uncertain significance for Dyskeratosis congenita, autosomal recessive 5; Pulmonary fibrosis and/or bone marrow failure, Telomere-related, 3. Last evaluated: 2022-08-09. Review status: criteria provided, single submitter. Criteria: Invitae Variant Classification Sherloc (09022015). Collection method: clinical testing. Allele origin: germline.
Comment: Variants that disrupt the consensus splice site are a relatively common cause of aberrant splicing (PMID: 17576681, 9536098). Algorithms developed to predict the effect of sequence changes on RNA splicing suggest that this variant may create or strengthen a splice site. ClinVar contains an entry for this variant (Variation ID: 1364172). This variant has not been reported in the literature in individuals affected with RTEL1-related conditions. The frequency data for this variant in the population databases is considered unreliable, as metrics indicate poor data quality at this position in the gnomAD database. This sequence change falls in intron 23 of the RTEL1 gene. It does not directly change the encoded amino acid sequence of the RTEL1 protein. It affects a nucleotide within the consensus splice site. In summary, the available evidence is currently insufficient to determine the role of this variant in disease. Therefore, it has been classified as a Variant of Uncertain Significance.

Literature cited by the submitters: PubMed 17576681; PubMed 9536098.